The following is an entry in ClinVar:

ClinVar aggregate classification (germline): Likely benign. Review status: criteria provided, multiple submitters, no conflicts (2 of 4 stars). 2 submissions from 2 submitters: Likely benign (2). Last evaluated 2025-12-24.

Conditions:
Creatine transporter deficiency (CCDS1). Also called: Mental retardation , X-linked with seizures, short stature and midface hypoplasia; Mental retardation , X-linked, with creatine transport deficiency; X-linked creatine transporter deficiency; X-linked creatine deficiency syndrome; SLC6A8-Related Creatine Transporter Deficiency; CREATINE TRANSPORTER DEFECT. Identifiers: Orphanet 52503, MedGen C1845862, MONDO:0010305, OMIM 300352.

Allele frequency attached by ClinVar (database versions not stated): gnomAD 0.00002; TOPMed 0.00005.
gnomAD v4.1: 13 of 1,208,956 alleles (0.0011%); highest among the groups gnomAD compares: East Asian, 0.038%; no homozygotes.

Submissions (2):

Labcorp Genetics (formerly Invitae), Labcorp
Classification: Likely benign for Creatine transporter deficiency. Last evaluated: 2025-12-24. Review status: criteria provided, single submitter. Criteria: Invitae Variant Classification Sherloc (09022015). Collection method: clinical testing. Allele origin: germline.

GeneDx
Classification: Likely benign. Last evaluated: 2018-04-05. Review status: criteria provided, single submitter. Criteria: GeneDx Variant Classification (06012015). Collection method: clinical testing. Allele origin: germline. Affected: yes.
Comment: This variant is considered likely benign or benign based on one or more of the following criteria: it is a conservative change, it occurs at a poorly conserved position in the protein, it is predicted to be benign by multiple in silico algorithms, and/or has population frequency not consistent with disease.

NM_005629.4(SLC6A8):c.1698G>C (p.Leu566=)

Gene: SLC6A8 (solute carrier family 6 member 8; plus strand). Cytogenetic location: Xq28.
Variant type: single nucleotide variant.
Coding change: c.1698G>C on transcript NM_005629.4 (MANE Select); coding-DNA position 1698, G replaced by C.
Protein change: p.Leu566=; no amino-acid change (leucine 566 retained).
Molecular consequence: synonymous variant.
Genome position (GRCh38, 1-based): chrX:153,694,820, G>C. VCF-style: chrX-153694820-G-C. GRCh37 (hg19) VCF-style: chrX-152960275-G-C.
Other names: c.1668G>C, p.Leu556= (NM_001142805.2); c.1353G>C, p.Leu451= (NM_001142806.1).
Identifiers: ClinVar variation 680929 (VCV000680929.9), dbSNP rs782287646, ClinGen allele CA519345030.